The following is an entry in ClinVar:

NM_022081.6(HPS4):c.2036G>A (p.Ser679Asn)

Gene: HPS4 (HPS4 biogenesis of lysosomal organelles complex 3 subunit 2; minus strand). Cytogenetic location: 22q12.1.
Variant type: single nucleotide variant.
Coding change: c.2036G>A on transcript NM_022081.6 (MANE Select); coding-DNA position 2036, G replaced by A.
Protein change: p.Ser679Asn; replaces serine 679 with asparagine.
Molecular consequence: missense variant. On other transcripts: non-coding transcript variant (8), intron variant (2), synonymous variant (2).
Genome position (GRCh38, 1-based): chr22:26,453,324, C>T on the plus strand (G>A on the coding strand, the complement: HPS4 is on the minus strand). VCF-style: chr22-26453324-C-T. GRCh37 (hg19) VCF-style: chr22-26849290-C-T.
Other names: c.1955+4535G>A (NM_001349905.1, NM_001349904.2); c.2036G>A (NM_022081.4); c.2036G>A, p.Ser679Asn (NM_001349896.1, NM_001349898.2, NM_001349899.2); c.2090G>A, p.Ser697Asn (NM_001349900.2, NM_001349901.1); c.1794G>A, p.Glu598= (NM_001349902.1, NM_001349903.2); c.2021G>A, p.Ser674Asn (NM_152841.2); short protein forms S674N, S679N, S697N.
Identifiers: ClinVar variation 445398 (VCV000445398.5), dbSNP rs761057923, ClinGen allele CA10163095.

ClinVar aggregate classification (germline): Uncertain significance. Review status: criteria provided, multiple submitters, no conflicts (2 of 4 stars). 3 submissions from 3 submitters: Uncertain significance (3). Last evaluated 2023-07-12.

Conditions:
Inborn genetic diseases. Identifiers: MedGen C0950123, MeSH D030342.

Allele frequency attached by ClinVar (database versions not stated): TOPMed below 0.00001; gnomAD 0.00001; gnomAD exomes 0.00002 and 0.00003; ExAC 0.00003.

Submissions (3):

Ambry Genetics
Classification: Uncertain significance for Inborn genetic diseases. Last evaluated: 2023-07-12. Review status: criteria provided, single submitter. Criteria: Ambry Variant Classification Scheme 2023. Collection method: clinical testing. Allele origin: germline.

Labcorp Genetics (formerly Invitae), Labcorp
Classification: Uncertain significance. Last evaluated: 2022-05-15. Review status: criteria provided, single submitter. Criteria: Invitae Variant Classification Sherloc (09022015). Collection method: clinical testing. Allele origin: germline.
Comment: This sequence change replaces serine, which is neutral and polar, with asparagine, which is neutral and polar, at codon 679 of the HPS4 protein (p.Ser679Asn). This variant is present in population databases (rs761057923, gnomAD 0.01%). This variant has not been reported in the literature in individuals affected with HPS4-related conditions. ClinVar contains an entry for this variant (Variation ID: 445398). Algorithms developed to predict the effect of missense changes on protein structure and function (SIFT, PolyPhen-2, Align-GVGD) all suggest that this variant is likely to be tolerated. In summary, the available evidence is currently insufficient to determine the role of this variant in disease. Therefore, it has been classified as a Variant of Uncertain Significance.

Center for Pediatric Genomic Medicine, Children's Mercy Hospital and Clinics
Classification: Uncertain significance. Last evaluated: 2017-03-30. Review status: criteria provided, single submitter. Criteria: ACMG Guidelines, 2015. Collection method: clinical testing. Allele origin: germline.